The following is an entry in ClinVar:

ClinVar aggregate classification (germline): Uncertain significance (1 of 4 stars; one submission).

Submission:

Labcorp Genetics (formerly Invitae), Labcorp
Classification: Uncertain significance. Last evaluated: 2026-01-11. Review status: criteria provided, single submitter. Criteria: Invitae Variant Classification Sherloc (09022015). Collection method: clinical testing. Allele origin: germline.
Comment: This sequence change creates a premature translational stop signal (p.Gln1501*) in the TET2 gene. While this is not anticipated to result in nonsense mediated decay, it is expected to disrupt the last 502 amino acid(s) of the TET2 protein. This variant is not present in population databases (gnomAD no frequency). This variant has not been reported in the literature in individuals affected with TET2-related conditions. Experimental studies and prediction algorithms are not available or were not evaluated, and the functional significance of this variant is currently unknown. In summary, the available evidence is currently insufficient to determine the role of this variant in disease. Therefore, it has been classified as a Variant of Uncertain Significance.

NM_001127208.3(TET2):c.4501C>T (p.Gln1501Ter)

Genes: TET2 (tet methylcytosine dioxygenase 2; plus strand), TET2-AS1 (TET2 antisense RNA 1; minus strand). Cytogenetic location: 4q24.
Variant type: single nucleotide variant.
Coding change: c.4501C>T on transcript NM_001127208.3 (MANE Select); coding-DNA position 4501, C replaced by T.
Protein change: p.Gln1501Ter; replaces glutamine 1501 with a stop codon.
Molecular consequence: nonsense.
Genome position (GRCh38, 1-based): chr4:105,272,882, C>T. VCF-style: chr4-105272882-C-T. GRCh37 (hg19) VCF-style: chr4-106194039-C-T.
Other names: short protein forms Q1501*.
Identifiers: ClinVar variation 4698317 (VCV004698317.1).
Genomic context (GRCh38, chr4:105,272,882, plus strand): 5'-TCCCTGGAGAACAGCTCAAATAAAAATGAAAAGGAAAAGTCAGCCCCATCACGTACAAAA[C>T]AAACTGAAAACGCAAGCCAGGCTAAACAGTTGGCAGGTAAATTTAATGTAAAGCATTTGT-3'